The following is an entry in ClinVar:

ClinVar aggregate classification (germline): Uncertain significance. Review status: criteria provided, multiple submitters, no conflicts (2 of 4 stars). 2 submissions from 2 submitters: Uncertain significance (2). Last evaluated 2024-04-15.

Conditions:
Hereditary cancer-predisposing syndrome. Also called: Hereditary Cancer Syndrome; Hereditary neoplastic syndrome; Neoplastic Syndromes, Hereditary; Tumor predisposition. Identifiers: Orphanet 140162, MedGen C0027672, MeSH D009386, MONDO:0015356.

Allele frequency attached by ClinVar (database versions not stated): gnomAD exomes below 0.00001; ExAC 0.00001; gnomAD 0.00001.
gnomAD v4.1: 6 of 1,613,330 alleles (0.00037%); highest among the groups gnomAD compares: Admixed American, 0.0017%; no homozygotes.

Submissions (2):

Labcorp Genetics (formerly Invitae), Labcorp
Classification: Uncertain significance for Hereditary cancer-predisposing syndrome. Last evaluated: 2024-04-15. Review status: criteria provided, single submitter. Criteria: Invitae Variant Classification Sherloc (09022015). Collection method: clinical testing. Allele origin: germline.
Comment: This sequence change replaces threonine, which is neutral and polar, with isoleucine, which is neutral and non-polar, at codon 841 of the RAD50 protein (p.Thr841Ile). This variant is present in population databases (rs759267791, gnomAD 0.003%). This variant has not been reported in the literature in individuals affected with RAD50-related conditions. ClinVar contains an entry for this variant (Variation ID: 216624). An algorithm developed to predict the effect of missense changes on protein structure and function (PolyPhen-2) suggests that this variant is likely to be tolerated. In summary, the available evidence is currently insufficient to determine the role of this variant in disease. Therefore, it has been classified as a Variant of Uncertain Significance.

Ambry Genetics
Classification: Uncertain significance for Hereditary cancer-predisposing syndrome. Last evaluated: 2024-02-01. Review status: criteria provided, single submitter. Criteria: Ambry Variant Classification Scheme 2023. Collection method: clinical testing. Allele origin: germline.
Comment: The p.T841I variant (also known as c.2522C>T), located in coding exon 15 of the RAD50 gene, results from a C to T substitution at nucleotide position 2522. The threonine at codon 841 is replaced by isoleucine, an amino acid with similar properties. This amino acid position is highly conserved in available vertebrate species. In addition, the in silico prediction for this alteration is inconclusive. Since supporting evidence is limited at this time, the clinical significance of this alteration remains unclear.

NM_005732.4(RAD50):c.2522C>T (p.Thr841Ile)

Gene: RAD50 (RAD50 double strand break repair protein; plus strand). Cytogenetic location: 5q31.1.
Variant type: single nucleotide variant.
Coding change: c.2522C>T on transcript NM_005732.4 (MANE Select); coding-DNA position 2522, C replaced by T.
Protein change: p.Thr841Ile; replaces threonine 841 with isoleucine.
Molecular consequence: missense variant.
Genome position (GRCh38, 1-based): chr5:132,604,044, C>T. VCF-style: chr5-132604044-C-T. GRCh37 (hg19) VCF-style: chr5-131939736-C-T.
Other names: short protein forms T841I.
Identifiers: ClinVar variation 216624 (VCV000216624.13), dbSNP rs759267791, ClinGen allele CA338009.
Genomic context (GRCh38, chr5:132,604,044, plus strand): 5'-TAGATCGAACTGTCCAACAAGTCAACCAGGAGAAACAAGAGAAACAGCACAAGTTAGACA[C>T]AGGTAATACAGTCTGTGTCCTTCTGTACTCATAGAGACTTTGACATTGCGAGCACATGCC-3'
Protein context (NP_005723.2, residues 831-851): EKQEKQHKLD[Thr841Ile]VSSKIELNRK